The following is an entry in ClinVar:

ClinVar aggregate classification (germline): Benign. Review status: criteria provided, multiple submitters, no conflicts (2 of 4 stars). 2 submissions from 2 submitters: Benign (2). Last evaluated 2018-06-16.

Allele frequency attached by ClinVar (database versions not stated): 1000 Genomes Project 0.10463; gnomAD 0.10884 and 0.11453; 1000 Genomes Project 30x 0.11212; TOPMed 0.11275.
gnomAD v4.1: 16,394 of 152,174 alleles (11%); highest among the groups gnomAD compares: African/African-American, 30%; 1,993 homozygotes.

Submissions (2):

GeneDx
Classification: Benign. Last evaluated: 2018-06-16. Review status: criteria provided, single submitter. Criteria: GeneDx Variant Classification (06012015). Collection method: clinical testing. Allele origin: germline. Affected: yes.
Comment: This variant is considered likely benign or benign based on one or more of the following criteria: it is a conservative change, it occurs at a poorly conserved position in the protein, it is predicted to be benign by multiple in silico algorithms, and/or has population frequency not consistent with disease.

Breakthrough Genomics
Classification: Benign. Review status: criteria provided, single submitter. Criteria: ACMG Guidelines, 2015. Collection method: not provided. Allele origin: germline. Inheritance: Autosomal dominant inheritance. Affected: yes.

NM_001005242.3(PKP2):c.1675-195T>C

Gene: PKP2 (plakophilin 2; minus strand). Cytogenetic location: 12p11.21.
Variant type: single nucleotide variant.
Coding change: c.1675-195T>C on transcript NM_001005242.3 (MANE Select); 195 bases into the intron before coding-DNA position 1675, T replaced by C.
Molecular consequence: intron variant.
Genome position (GRCh38, 1-based): chr12:32,822,826, A>G on the plus strand (T>C on the coding strand, the complement: PKP2 is on the minus strand). VCF-style: chr12-32822826-A-G. GRCh37 (hg19) VCF-style: chr12-32975760-A-G.
Other names: c.1807-195T>C (NM_004572.4).
Identifiers: ClinVar variation 672154 (VCV000672154.2), dbSNP rs1869652, ClinGen allele CA13585715.